The following is an entry in ClinVar:

ClinVar aggregate classification (germline): Uncertain significance (1 of 4 stars; one submission).

Allele frequency attached by ClinVar (database versions not stated): gnomAD exomes below 0.00001.
gnomAD v4.1: 1 of 1,607,792 alleles (0.000062%); highest among the groups gnomAD compares: Admixed American, 0.0017%; no homozygotes.

Submission:

GeneDx
Classification: Uncertain significance. Last evaluated: 2016-10-17. Review status: criteria provided, single submitter. Criteria: GeneDx Variant Classification (06012015). Collection method: clinical testing. Allele origin: germline. Affected: yes.
Comment: The K1991N variant in the CEP290 gene has not been reported previously as a pathogenic variant, nor as a benign variant, to our knowledge. The K1991N variant was not observed in approximately 5900 individuals of European and African American ancestry in the NHLBI Exome Sequencing Project, indicating it is not a common benign variant in these populations. The K1991N variant is a semi-conservative amino acid substitution, which may impact secondary protein structure as these residues differ in some properties. This substitution occurs at a position where amino acids with similar properties to Lysine are tolerated across species. In silico analysis is inconsistent in its predictions as to whether or not the variant is damaging to the protein structure/function. We interpret K1991N as a variant of uncertain significance.

NM_025114.4(CEP290):c.5973G>C (p.Lys1991Asn)

Gene: CEP290 (centrosomal protein 290; minus strand). Cytogenetic location: 12q21.32.
Variant type: single nucleotide variant.
Coding change: c.5973G>C on transcript NM_025114.4 (MANE Select); coding-DNA position 5973, G replaced by C.
Protein change: p.Lys1991Asn; replaces lysine 1991 with asparagine.
Molecular consequence: missense variant.
Genome position (GRCh38, 1-based): chr12:88,071,332, C>G on the plus strand (G>C on the coding strand, the complement: CEP290 is on the minus strand). VCF-style: chr12-88071332-C-G. GRCh37 (hg19) VCF-style: chr12-88465109-C-G.
Other names: short protein forms K1991N.
Identifiers: ClinVar variation 422423 (VCV000422423.2), dbSNP rs1064795773, ClinGen allele CA16619598.